The following is an entry in ClinVar:

ClinVar aggregate classification (germline): Uncertain significance (1 of 4 stars; one submission).

Submission:

Mayo Clinic Laboratories, Mayo Clinic
Classification: Uncertain significance. Last evaluated: 2023-12-29. Review status: criteria provided, single submitter. Criteria: ACMG Guidelines, 2015. Collection method: clinical testing. Allele origin: germline. Observed: 1 variant allele.
Comment: PM2_moderate

NM_000217.3(KCNA1):c.563C>G (p.Thr188Arg)

Gene: KCNA1 (potassium voltage-gated channel subfamily A member 1; plus strand). Cytogenetic location: 12p13.32.
Variant type: single nucleotide variant.
Coding change: c.563C>G on transcript NM_000217.3 (MANE Select); coding-DNA position 563, C replaced by G.
Protein change: p.Thr188Arg; replaces threonine 188 with arginine.
Molecular consequence: missense variant.
Genome position (GRCh38, 1-based): chr12:4,911,941, C>G. VCF-style: chr12-4911941-C-G. GRCh37 (hg19) VCF-style: chr12-5021107-C-G.
Other names: p.Thr188Arg; short protein forms T188R.
Identifiers: ClinVar variation 3380063 (VCV003380063.1).